The following is an entry in ClinVar:

ClinVar aggregate classification (germline): Likely benign. Review status: criteria provided, multiple submitters, no conflicts (2 of 4 stars). 2 submissions from 2 submitters: Likely benign (2). Last evaluated 2025-04-01.

Allele frequency attached by ClinVar (database versions not stated): gnomAD 0.00007; TOPMed 0.00009; gnomAD exomes 0.00014; ExAC 0.00015; ESP Exome Variant Server 0.00015.
gnomAD v4.1: 184 of 1,613,786 alleles (0.011%); highest among the groups gnomAD compares: Admixed American, 0.043%; no homozygotes.

Submissions (2):

CeGaT Center for Human Genetics Tuebingen
Classification: Likely benign. Last evaluated: 2025-04-01. Review status: criteria provided, single submitter. Criteria: CeGaT Center For Human Genetics Tuebingen Variant Classification Criteria Version 2. Collection method: clinical testing. Allele origin: germline. Affected: yes. Observed: 1 variant allele.
Comment: TG: BP4, BP7

Labcorp Genetics (formerly Invitae), Labcorp
Classification: Likely benign. Last evaluated: 2024-10-21. Review status: criteria provided, single submitter. Criteria: Invitae Variant Classification Sherloc (09022015). Collection method: clinical testing. Allele origin: germline.

NM_003235.5(TG):c.3930C>T (p.Tyr1310=)

Gene: TG (thyroglobulin; plus strand). Cytogenetic location: 8q24.22.
Variant type: single nucleotide variant.
Coding change: c.3930C>T on transcript NM_003235.5 (MANE Select); coding-DNA position 3930, C replaced by T.
Protein change: p.Tyr1310=; no amino-acid change (tyrosine 1310 retained).
Molecular consequence: synonymous variant.
Genome position (GRCh38, 1-based): chr8:132,908,268, C>T. VCF-style: chr8-132908268-C-T. GRCh37 (hg19) VCF-style: chr8-133920513-C-T.
Identifiers: ClinVar variation 750155 (VCV000750155.13), dbSNP rs143023529, ClinGen allele CA4883949.
Genomic context (GRCh38, chr8:132,908,268, plus strand): 5'-CCAGACCCAAGGGCACTTTCAGCTCCAGCTCCCGCCGGGCAAGATGTGCAGTGCTGACTA[C>T]GCGGATTTGCTGCAGACTTTCCAGGTTTTCATATTGGATGAGCTGACAGCCCGCGGCTTC-3'
Protein context (NP_003226.4, residues 1300-1320): LPPGKMCSAD[Tyr1310=]ADLLQTFQVF